The following is an entry in ClinVar:

NM_001845.6(COL4A1):c.1618A>C (p.Lys540Gln)

Gene: COL4A1 (collagen type IV alpha 1 chain; minus strand). Cytogenetic location: 13q34.
Variant type: single nucleotide variant.
Coding change: c.1618A>C on transcript NM_001845.6 (MANE Select); coding-DNA position 1618, A replaced by C.
Protein change: p.Lys540Gln; replaces lysine 540 with glutamine.
Molecular consequence: missense variant.
Genome position (GRCh38, 1-based): chr13:110,187,248, T>G on the plus strand (A>C on the coding strand, the complement: COL4A1 is on the minus strand). VCF-style: chr13-110187248-T-G. GRCh37 (hg19) VCF-style: chr13-110839595-T-G.
Other names: short protein forms K540Q.
Identifiers: ClinVar variation 1495005 (VCV001495005.8), dbSNP rs1878444055, ClinGen allele CA388723073.

ClinVar aggregate classification (germline): Uncertain significance (1 of 4 stars; one submission).

Allele frequency attached by ClinVar (database versions not stated): TOPMed below 0.00001.

Submission:

Labcorp Genetics (formerly Invitae), Labcorp
Classification: Uncertain significance. Last evaluated: 2022-07-19. Review status: criteria provided, single submitter. Criteria: Invitae Variant Classification Sherloc (09022015). Collection method: clinical testing. Allele origin: germline.
Comment: In summary, the available evidence is currently insufficient to determine the role of this variant in disease. Therefore, it has been classified as a Variant of Uncertain Significance. Advanced modeling of protein sequence and biophysical properties (such as structural, functional, and spatial information, amino acid conservation, physicochemical variation, residue mobility, and thermodynamic stability) performed at Invitae indicates that this missense variant is not expected to disrupt COL4A1 protein function. ClinVar contains an entry for this variant (Variation ID: 1495005). This variant has not been reported in the literature in individuals affected with COL4A1-related conditions. This variant is not present in population databases (gnomAD no frequency). This sequence change replaces lysine, which is basic and polar, with glutamine, which is neutral and polar, at codon 540 of the COL4A1 protein (p.Lys540Gln).